The following is an entry in ClinVar:

NC_000009.11:g.(?_404898)_(407089_?)dup

Gene: DOCK8 (dedicator of cytokinesis 8; plus strand). Cytogenetic location: 9p24.3.
Variant type: Duplication.
Identifiers: ClinVar variation 1349623 (VCV001349623.8).

ClinVar aggregate classification (germline): Likely pathogenic (1 of 4 stars; one submission).

Conditions:
Hyper-IgE recurrent infection syndrome 3, autosomal recessive. Also called: Autosomal recessive hyper-IgE syndrome due to ZNF341 deficiency; HYPER-IgE SYNDROME 3, AUTOSOMAL RECESSIVE, WITH RECURRENT INFECTIONS. Identifiers: Orphanet 641368, MedGen C4748969, MONDO:0032654, OMIM 618282.

Submission:

Labcorp Genetics (formerly Invitae), Labcorp
Classification: Likely pathogenic for Combined immunodeficiency due to DOCK8 deficiency. Last evaluated: 2020-11-19. Review status: criteria provided, single submitter. Criteria: Invitae Variant Classification Sherloc (09022015). Collection method: clinical testing. Allele origin: germline.
Comment: In summary, the currently available evidence indicates that the variant is pathogenic, but additional data are needed to prove that conclusively. Therefore, this variant has been classified as Likely Pathogenic. Loss-of-function variants in DOCK8 are known to be pathogenic (PMID: 14722525, 19776401). This variant has not been reported in the literature in individuals with DOCK8-related conditions. This variant results in a copy number gain of the genomic region encompassing exon(s) 27-28 of the DOCK8 gene. While the exact position of this variant cannot be determined from the data, sub-genic copy number gains are generally in tandem (PMID: 25640679). This variant is predicted to be out-of-frame, and may result in an absent or disrupted protein product.

Literature cited by the submitters: PubMed 14722525; PubMed 19776401; PubMed 25640679.